The following is an entry in ClinVar:

NM_001365999.1(SZT2):c.3469C>T (p.Pro1157Ser)

Gene: SZT2 (SZT2 subunit of KICSTOR complex; plus strand). Cytogenetic location: 1p34.2.
Variant type: single nucleotide variant.
Coding change: c.3469C>T on transcript NM_001365999.1 (MANE Select); coding-DNA position 3469, C replaced by T.
Protein change: p.Pro1157Ser; replaces proline 1157 with serine.
Molecular consequence: missense variant.
Genome position (GRCh38, 1-based): chr1:43,427,316, C>T. VCF-style: chr1-43427316-C-T. GRCh37 (hg19) VCF-style: chr1-43892987-C-T.
Other names: p.Pro1100Ser; c.3298C>T, p.Pro1100Ser (NM_015284.4); short protein forms P1100S, P1157S.
Identifiers: ClinVar variation 241032 (VCV000241032.21), dbSNP rs150966402, ClinGen allele CA809002.

ClinVar aggregate classification (germline): Benign/Likely benign. Review status: criteria provided, multiple submitters, no conflicts (2 of 4 stars). 6 submissions from 6 submitters: Benign (4); Likely benign (2). Last evaluated 2026-01-21.

Conditions:
Inborn genetic diseases. Identifiers: MedGen C0950123, MeSH D030342.
Developmental and epileptic encephalopathy, 18 (DEE18). Also called: Early infantile epileptic encephalopathy 18. Identifiers: Orphanet 369894, MedGen C3809624, MONDO:0014201, OMIM 615476.

Allele frequency attached by ClinVar (database versions not stated): TOPMed 0.00076; gnomAD exomes 0.00071 and 0.00151; gnomAD 0.00073 and 0.00054; ExAC 0.00142; 1000 Genomes Project 30x 0.00297; 1000 Genomes Project 0.00319.
gnomAD v4.1: 1,160 of 1,612,990 alleles (0.072%); highest among the groups gnomAD compares: East Asian, 2.4%; 26 homozygotes.

Submissions (6):

Labcorp Genetics (formerly Invitae), Labcorp
Classification: Benign. Last evaluated: 2026-01-21. Review status: criteria provided, single submitter. Criteria: Invitae Variant Classification Sherloc (09022015). Collection method: clinical testing. Allele origin: germline.

Mayo Clinic Laboratories, Mayo Clinic
Classification: Benign. Last evaluated: 2025-06-03. Review status: criteria provided, single submitter. Criteria: ACMG Guidelines, 2015. Collection method: clinical testing. Allele origin: germline. Observed: 1 variant allele.
Comment: BS1, BS2, BP4_moderate

Athena Diagnostics
Classification: Benign. Last evaluated: 2024-11-26. Review status: criteria provided, single submitter. Criteria: Athena Diagnostics Criteria. Collection method: clinical testing. Allele origin: unknown.

Genome-Nilou Lab
Classification: Likely benign for Developmental and epileptic encephalopathy, 18. Last evaluated: 2023-04-11. Review status: criteria provided, single submitter. Criteria: ACMG Guidelines, 2015. Collection method: clinical testing. Allele origin: germline. Affected: no.

GeneDx
Classification: Likely benign. Last evaluated: 2018-10-09. Review status: criteria provided, single submitter. Criteria: GeneDx Variant Classification Process June 2021. Collection method: clinical testing. Allele origin: germline. Affected: yes.

Ambry Genetics
Classification: Benign for Inborn genetic diseases. Last evaluated: 2016-10-18. Review status: criteria provided, single submitter. Criteria: Ambry Variant Classification Scheme 2023. Collection method: clinical testing. Allele origin: germline.